The following is an entry in ClinVar:

NM_001267550.2(TTN):c.47040del (p.Glu15680fs)

Genes: TTN (titin; minus strand), TTN-AS1 (TTN antisense RNA 1; plus strand). Cytogenetic location: 2q31.2.
Variant type: Deletion.
Coding change: c.47040del on transcript NM_001267550.2 (MANE Select); coding-DNA position 47040, one base deleted (A; older notation c.47040delA).
Protein change: p.Glu15680fs; shifts the reading frame from glutamic acid 15680.
Molecular consequence: frameshift variant.
Genome position (GRCh38, 1-based): chr2:178,618,418, T deleted on the plus strand (A on the coding strand, the reverse complement: TTN is on the minus strand); the first of 2 consecutive T bases (chr2:178,618,418-178,618,419); deleting either gives the same sequence. VCF-style (leftmost placement, unchanged base first): chr2-178618417-GT-G. GRCh37 (hg19) VCF-style: chr2-179483144-GT-G.
Other names: c.42117del, p.Glu14039fs (NM_001256850.1); c.19845del, p.Glu6615fs (NM_003319.4); c.39336del, p.Glu13112fs (NM_133378.4); c.20220del, p.Glu6740fs (NM_133432.3); c.20421del, p.Glu6807fs (NM_133437.4); short protein forms E14039fs, E13112fs, E6807fs, E15680fs, E6615fs, E6740fs.
Identifiers: ClinVar variation 949029 (VCV000949029.10), dbSNP rs2057734561, ClinGen allele CA1139657469.

ClinVar aggregate classification (germline): Likely pathogenic (1 of 4 stars; one submission).

Conditions:
Autosomal recessive limb-girdle muscular dystrophy type 2J (LGMDR10). Also called: Limb-girdle muscular dystrophy, type 2J; MUSCULAR DYSTROPHY, LIMB-GIRDLE, AUTOSOMAL RECESSIVE 10. Identifiers: Orphanet 140922, MedGen C1837342, MONDO:0012127, OMIM 608807.
Dilated cardiomyopathy 1G (CMD1G). Identifiers: Orphanet 154, MedGen C1858763, MONDO:0011400, OMIM 604145.

Submission:

Labcorp Genetics (formerly Invitae), Labcorp
Classification: Likely pathogenic for Dilated cardiomyopathy 1G; Autosomal recessive limb-girdle muscular dystrophy type 2J. Last evaluated: 2025-06-02. Review status: criteria provided, single submitter. Criteria: Invitae Variant Classification Sherloc (09022015). Collection method: clinical testing. Allele origin: germline.
Comment: This sequence change creates a premature translational stop signal (p.Glu15680Aspfs*3) in the TTN gene. While this is not anticipated to result in nonsense mediated decay, it is expected to create a truncated TTN protein. This variant is not present in population databases (gnomAD no frequency). This variant has not been reported in the literature in individuals affected with TTN-related conditions. ClinVar contains an entry for this variant (Variation ID: 949029). Algorithms developed to predict the effect of sequence changes on RNA splicing suggest that this variant may disrupt the consensus splice site. This variant is located in the A band of TTN (PMID: 25589632). Truncating variants in this region are significantly overrepresented in patients affected with dilated cardiomyopathy (PMID: 25589632). Truncating variants in this region have also been reported in individuals affected with autosomal recessive centronuclear myopathy (PMID: 23975875). In summary, the currently available evidence indicates that the variant is pathogenic, but additional data are needed to prove that conclusively. Therefore, this variant has been classified as Likely Pathogenic.

Literature cited by the submitters: PubMed 25589632; PubMed 23975875.